The following is an entry in ClinVar:

NM_004082.5(DCTN1):c.2320G>A (p.Gly774Arg)

Gene: DCTN1 (dynactin subunit 1; minus strand). Cytogenetic location: 2p13.1.
Variant type: single nucleotide variant.
Coding change: c.2320G>A on transcript NM_004082.5 (MANE Select); coding-DNA position 2320, G replaced by A.
Protein change: p.Gly774Arg; replaces glycine 774 with arginine.
Molecular consequence: missense variant. On other transcripts: non-coding transcript variant (1).
Genome position (GRCh38, 1-based): chr2:74,366,929, C>T on the plus strand (G>A on the coding strand, the complement: DCTN1 is on the minus strand). VCF-style: chr2-74366929-C-T. GRCh37 (hg19) VCF-style: chr2-74594056-C-T.
Other names: c.2260G>A, p.Gly754Arg (NM_001135040.3); c.1918G>A, p.Gly640Arg (NM_001135041.3, NM_023019.4); c.2209G>A, p.Gly737Arg (NM_001190836.2); c.2299G>A, p.Gly767Arg (NM_001190837.2); c.2269G>A, p.Gly757Arg (NM_001378991.1); c.2251G>A, p.Gly751Arg (NM_001378992.1); short protein forms G737R, G751R, G767R, G774R, G640R, G754R, G757R.
Identifiers: ClinVar variation 2933850 (VCV002933850.3), dbSNP rs1387532994, ClinGen allele CA347348179.

ClinVar aggregate classification (germline): Uncertain significance (1 of 4 stars; one submission).

Conditions:
Amyotrophic lateral sclerosis type 1 (ALS1). Also called: AMYOTROPHIC LATERAL SCLEROSIS 1, FAMILIAL. Identifiers: Orphanet 803, MedGen C1862939, MONDO:0007103, OMIM 105400.
Neuronopathy, distal hereditary motor, type 7B. Also called: HMN VIIB; LOWER MOTOR NEURON DISEASE, DYNACTIN TYPE; NEURONOPATHY, DISTAL HEREDITARY MOTOR, AUTOSOMAL DOMINANT 14; NEURONOPATHY, DISTAL HEREDITARY MOTOR, HARDING TYPE VIIB; NEUROPATHY, DISTAL HEREDITARY MOTOR, HARDING TYPE VIIB; NEUROPATHY, DISTAL HEREDITARY MOTOR, WITH VOCAL CORD PARALYSIS, HARDING TYPE VIIB. Identifiers: Orphanet 139589, MedGen C1843315, MONDO:0011879, OMIM 607641.
Perry syndrome. Also called: PARKINSONISM WITH ALVEOLAR HYPOVENTILATION AND MENTAL DEPRESSION. Identifiers: Orphanet 178509, MedGen C1868594, MONDO:0008201, OMIM 168605.

Allele frequency attached by ClinVar (database versions not stated): gnomAD exomes below 0.00001; gnomAD 0.00001.
gnomAD v4.1: 3 of 1,614,092 alleles (0.00019%); highest among the groups gnomAD compares: African/African-American, 0.0013%; no homozygotes.

Submission:

Labcorp Genetics (formerly Invitae), Labcorp
Classification: Uncertain significance for Amyotrophic lateral sclerosis type 1; Neuronopathy, distal hereditary motor, type 7B; Perry syndrome. Last evaluated: 2022-11-06. Review status: criteria provided, single submitter. Criteria: Invitae Variant Classification Sherloc (09022015). Collection method: clinical testing. Allele origin: germline.
Comment: Advanced modeling of protein sequence and biophysical properties (such as structural, functional, and spatial information, amino acid conservation, physicochemical variation, residue mobility, and thermodynamic stability) performed at Invitae indicates that this missense variant is not expected to disrupt DCTN1 protein function. This sequence change replaces glycine, which is neutral and non-polar, with arginine, which is basic and polar, at codon 774 of the DCTN1 protein (p.Gly774Arg). This variant is present in population databases (no rsID available, gnomAD 0.01%). This variant has not been reported in the literature in individuals affected with DCTN1-related conditions. Algorithms developed to predict the effect of sequence changes on RNA splicing suggest that this variant may create or strengthen a splice site. In summary, the available evidence is currently insufficient to determine the role of this variant in disease. Therefore, it has been classified as a Variant of Uncertain Significance.